The following is an entry in ClinVar:

NM_000487.6(ARSA):c.728G>A (p.Arg243His)

Gene: ARSA (arylsulfatase A; minus strand). Cytogenetic location: 22q13.33.
Variant type: single nucleotide variant.
Coding change: c.728G>A on transcript NM_000487.6 (MANE Select); coding-DNA position 728, G replaced by A.
Protein change: p.Arg243His; replaces arginine 243 with histidine.
Molecular consequence: missense variant.
Genome position (GRCh38, 1-based): chr22:50,626,717, C>T on the plus strand (G>A on the coding strand, the complement: ARSA is on the minus strand). VCF-style: chr22-50626717-C-T. GRCh37 (hg19) VCF-style: chr22-51065145-C-T.
Other names: c.728G>A, p.Arg243His (NM_001085425.3, NM_001085426.3, NM_001085427.3); c.470G>A, p.Arg157His (NM_001085428.3, NM_001362782.2); short protein forms R243H, R157H.
Identifiers: ClinVar variation 903370 (VCV000903370.12), dbSNP rs142142638, ClinGen allele CA10324929.
Genomic context (GRCh38, chr22:50,626,717, plus strand): 5'-AGGGTCCCCACAGCTGCATCCAGCTCCATCAGGGAGTCCCCAAATGGCCCGCGGCCTGAA[C>T]GCTCTGCAAAGCTCTGCCCACTGAACTGAGGGTAGTGGGTGTGCTGGGGGCAAAGACTGG-3'
Protein context (NP_000478.3, residues 233-253): PQFSGQSFAE[Arg243His]SGRGPFGDSL

ClinVar aggregate classification (germline): Conflicting classifications of pathogenicity. Review status: criteria provided, conflicting classifications (1 of 4 stars). 5 submissions from 5 submitters: Uncertain significance (4); Likely benign (1). Last evaluated 2024-10-10.

Conditions:
Metachromatic leukodystrophy (MLD). Also called: Cerebral sclerosis diffuse metachromatic form; METACHROMATIC LEUKOENCEPHALOPATHY; ARSA DEFICIENCY; CEREBROSIDE SULFATASE DEFICIENCY; SULFATIDE LIPIDOSIS; Arylsulfatase A Deficiency. Identifiers: Orphanet 512, MedGen C0023522, MONDO:0018868, OMIM 250100.

Allele frequency attached by ClinVar (database versions not stated): ExAC 0.00007; gnomAD 0.00007 and 0.00008; gnomAD exomes 0.00010; TOPMed 0.00011; ESP Exome Variant Server 0.00023.

Submissions (5):

Dasa
Classification: Uncertain significance for Metachromatic leukodystrophy. Last evaluated: 2024-10-10. Review status: criteria provided, single submitter. Criteria: DASA Assertion Criteria. Collection method: clinical testing. Allele origin: germline.
Comment: NM_000487.6(ARSA):c.728G>A (p.Arg243His) is a missense variant that results in the substitution of arginine with histidine. This variant is rare in population databases. The currently available literature and clinical evidence are not sufficient to establish a definitive association between this variant and the reported condition. Therefore, this variant is classified as a variant of uncertain significance.

Blueprint Genetics
Classification: Likely benign. Last evaluated: 2024-08-30. Review status: criteria provided, single submitter. Criteria: ACMG Guidelines, 2015. Collection method: clinical testing. Allele origin: germline.

Labcorp Genetics (formerly Invitae), Labcorp
Classification: Uncertain significance for Metachromatic leukodystrophy. Last evaluated: 2022-10-08. Review status: criteria provided, single submitter. Criteria: Invitae Variant Classification Sherloc (09022015). Collection method: clinical testing. Allele origin: germline.
Comment: This sequence change replaces arginine, which is basic and polar, with histidine, which is basic and polar, at codon 243 of the ARSA protein (p.Arg243His). This variant is present in population databases (rs142142638, gnomAD 0.02%). This variant has not been reported in the literature in individuals affected with ARSA-related conditions. ClinVar contains an entry for this variant (Variation ID: 903370). Algorithms developed to predict the effect of missense changes on protein structure and function output the following: SIFT: "Tolerated"; PolyPhen-2: "Benign"; Align-GVGD: "Class C0". The histidine amino acid residue is found in multiple mammalian species, which suggests that this missense change does not adversely affect protein function. In summary, the available evidence is currently insufficient to determine the role of this variant in disease. Therefore, it has been classified as a Variant of Uncertain Significance.

Fulgent Genetics
Classification: Uncertain significance for Metachromatic leukodystrophy. Last evaluated: 2022-05-02. Review status: criteria provided, single submitter. Criteria: ACMG Guidelines, 2015. Collection method: clinical testing. Allele origin: unknown.

Illumina Laboratory Services, Illumina
Classification: Uncertain significance for Metachromatic leukodystrophy. Last evaluated: 2018-01-12. Review status: criteria provided, single submitter. Criteria: ICSL Variant Classification Criteria 13 December 2019. Collection method: clinical testing. Allele origin: germline.